The following is an entry in ClinVar:

NM_004260.4(RECQL4):c.3428T>C (p.Ile1143Thr)

Gene: RECQL4 (RecQ like helicase 4; minus strand). Cytogenetic location: 8q24.3.
Variant type: single nucleotide variant.
Coding change: c.3428T>C on transcript NM_004260.4 (MANE Select); coding-DNA position 3428, T replaced by C.
Protein change: p.Ile1143Thr; replaces isoleucine 1143 with threonine.
Molecular consequence: missense variant.
Genome position (GRCh38, 1-based): chr8:144,511,755, A>G on the plus strand (T>C on the coding strand, the complement: RECQL4 is on the minus strand). VCF-style: chr8-144511755-A-G. GRCh37 (hg19) VCF-style: chr8-145737138-A-G.
Other names: short protein forms I1143T.
Identifiers: ClinVar variation 583315 (VCV000583315.11), dbSNP rs759478327, ClinGen allele CA4947742.
Genomic context (GRCh38, chr8:144,511,755, plus strand): 5'-ATGCGGGCCACAGCCCTGCTGGAGAACTTCTCCTCTGGCCTCAGGGACAGGAACTGGCGG[A>G]TGTCGCAGCGGACCTGGTCCTCCCAATCCTGGAGCTGTGTGGACAGGCACATCAGGCTTC-3'
Protein context (NP_004251.4, residues 1133-1153): QDWEDQVRCD[Ile1143Thr]RQFLSLRPEE

ClinVar aggregate classification (germline): Uncertain significance. Review status: criteria provided, multiple submitters, no conflicts (2 of 4 stars). 3 submissions from 3 submitters: Uncertain significance (3). Last evaluated 2026-01-24.

Conditions:
Baller-Gerold syndrome (BGS). Also called: CRANIOSYNOSTOSIS WITH RADIAL DEFECTS. Identifiers: Orphanet 1225, MedGen C0265308, MONDO:0009039, OMIM 218600.
Rothmund-Thomson syndrome (RTS). Also called: Poikiloderma of Rothmund-Thomson; Poikiloderma Congenitale. Identifiers: Orphanet 2909, MedGen C0032339, MONDO:0010002.
Rapadilino syndrome. Identifiers: Orphanet 3021, MedGen C1849453, MONDO:0009955, OMIM 266280.
Rothmund-Thomson syndrome type 2 (RTS2). Identifiers: Orphanet 221016, MedGen C5203410, MONDO:0016369, OMIM 268400.

Allele frequency attached by ClinVar (database versions not stated): gnomAD 0.00002; TOPMed 0.00003; gnomAD exomes 0.00005 and 0.00011; ExAC 0.00008.
gnomAD v4.1: 35 of 1,612,466 alleles (0.0022%); highest among the groups gnomAD compares: Admixed American, 0.053%; no homozygotes.

Submissions (3):

Labcorp Genetics (formerly Invitae), Labcorp
Classification: Uncertain significance for Baller-Gerold syndrome. Last evaluated: 2026-01-24. Review status: criteria provided, single submitter. Criteria: Invitae Variant Classification Sherloc (09022015). Collection method: clinical testing. Allele origin: germline.
Comment: This sequence change replaces isoleucine, which is neutral and non-polar, with threonine, which is neutral and polar, at codon 1143 of the RECQL4 protein (p.Ile1143Thr). This variant is present in population databases (rs759478327, gnomAD 0.08%). This variant has not been reported in the literature in individuals affected with RECQL4-related conditions. ClinVar contains an entry for this variant (Variation ID: 583315). Invitae Evidence Modeling of protein sequence and biophysical properties (such as structural, functional, and spatial information, amino acid conservation, physicochemical variation, residue mobility, and thermodynamic stability) indicates that this missense variant is not expected to disrupt RECQL4 protein function with a negative predictive value of 80%. In summary, the available evidence is currently insufficient to determine the role of this variant in disease. Therefore, it has been classified as a Variant of Uncertain Significance.

Baylor Genetics
Classification: Uncertain significance for Rothmund-Thomson syndrome type 2. Last evaluated: 2019-07-10. Review status: criteria provided, single submitter. Criteria: ACMG Guidelines, 2015. Collection method: clinical testing. Allele origin: unknown. Affected: yes. Study: CSER-TexasKidsCanSeq.
Comment: This variant was determined to be of uncertain significance according to ACMG Guidelines, 2015 [PMID:25741868].

Fulgent Genetics
Classification: Uncertain significance for Baller-Gerold syndrome; Rapadilino syndrome; Rothmund-Thomson syndrome type 2. Last evaluated: 2018-10-31. Review status: criteria provided, single submitter. Criteria: ACMG Guidelines, 2015. Collection method: clinical testing. Allele origin: unknown.